The following is an entry in ClinVar:

ClinVar aggregate classification (germline): Uncertain significance. Review status: criteria provided, multiple submitters, no conflicts (2 of 4 stars). 2 submissions from 2 submitters: Uncertain significance (2). Last evaluated 2024-05-21.

Conditions:
Loeys-Dietz syndrome 2 (LDS2). Also called: Marfan syndrome, type 2 (formerly); AORTIC ANEURYSM, FAMILIAL THORACIC 3; MARFAN SYNDROME, TYPE II; TGFBR2-Related Loeys-Dietz Syndrome; Marfan like connective tissue disorder; MFS 2. Identifiers: Orphanet 284973, Orphanet 558, MedGen C2674574, MONDO:0012427, OMIM 610168.

Allele frequency attached by ClinVar (database versions not stated): gnomAD 0.00001; gnomAD exomes 0.00001; TOPMed 0.00001; ExAC 0.00002.
gnomAD v4.1: 19 of 1,614,078 alleles (0.0012%); highest among the groups gnomAD compares: Non-Finnish European, 0.0015%; no homozygotes.

Submissions (2):

Labcorp Genetics (formerly Invitae), Labcorp
Classification: Uncertain significance for Loeys-Dietz syndrome 2. Last evaluated: 2024-05-21. Review status: criteria provided, single submitter. Criteria: Invitae Variant Classification Sherloc (09022015). Collection method: clinical testing. Allele origin: germline.
Comment: This sequence change replaces isoleucine, which is neutral and non-polar, with methionine, which is neutral and non-polar, at codon 408 of the TMPO protein (p.Ile408Met). This variant is present in population databases (rs763852580, gnomAD 0.003%). This variant has not been reported in the literature in individuals affected with TMPO-related conditions. ClinVar contains an entry for this variant (Variation ID: 2179412). Advanced modeling of protein sequence and biophysical properties (such as structural, functional, and spatial information, amino acid conservation, physicochemical variation, residue mobility, and thermodynamic stability) performed at Invitae indicates that this missense variant is not expected to disrupt TMPO protein function with a negative predictive value of 80%. In summary, the available evidence is currently insufficient to determine the role of this variant in disease. Therefore, it has been classified as a Variant of Uncertain Significance.

Ambry Genetics
Classification: Uncertain significance. Last evaluated: 2023-12-16. Review status: criteria provided, single submitter. Criteria: Ambry Variant Classification Scheme 2023. Collection method: clinical testing. Allele origin: germline.
Comment: The p.I408M variant (also known as c.1224A>G), located in coding exon 4 of the TMPO gene, results from an A to G substitution at nucleotide position 1224. The isoleucine at codon 408 is replaced by methionine, an amino acid with highly similar properties. This amino acid position is conserved. In addition, this alteration is predicted to be tolerated by in silico analysis. Since supporting evidence is limited at this time, the clinical significance of this alteration remains unclear.

NM_001032283.3(TMPO):c.565+1643A>G

Gene: TMPO (thymopoietin; plus strand). Cytogenetic location: 12q23.1.
Variant type: single nucleotide variant.
Coding change: c.565+1643A>G on transcript NM_001032283.3 (MANE Select); 1643 bases into the intron after coding-DNA position 565, A replaced by G.
Molecular consequence: intron variant. On other transcripts: missense variant (1).
Genome position (GRCh38, 1-based): chr12:98,533,481, A>G. VCF-style: chr12-98533481-A-G. GRCh37 (hg19) VCF-style: chr12-98927259-A-G.
Other names: c.1224A>G, p.Ile408Met (NM_003276.2); c.565+1643A>G (NM_001307975.2, NM_001032284.3); short protein forms I408M.
Identifiers: ClinVar variation 2179412 (VCV002179412.5), dbSNP rs763852580, ClinGen allele CA6732385.
Genomic context (GRCh38, chr12:98,533,481, plus strand): 5'-TGGGGTAGGTAGTTTGCCTGGAACTTCTAACTCTATGCCCCCACTGGATGTAGAAAACAT[A>G]CAGAAGAGAATTGATCAGTCTAAGTTTCAAGAAACTGAATTCCTGTCTCCTCCAAGAAAA-3'